The following is an entry in ClinVar:

ClinVar aggregate classification (germline): Uncertain significance (1 of 4 stars; one submission).

Conditions:
Familial thoracic aortic aneurysm and aortic dissection (TAAD). Also called: Thoracic aortic aneurysms and dissections. Identifiers: Orphanet 91387, MedGen C4707243, MONDO:0019625.

Submission:

Ambry Genetics
Classification: Uncertain significance for Familial thoracic aortic aneurysm and aortic dissection. Last evaluated: 2026-03-29. Review status: criteria provided, single submitter. Criteria: Ambry Variant Classification Scheme 2023. Collection method: clinical testing. Allele origin: germline.
Comment: The p.L1632P variant (also known as c.4895T>C), located in coding exon 38 of the FBN2 gene, results from a T to C substitution at nucleotide position 4895. The leucine at codon 1632 is replaced by proline, an amino acid with similar properties. This amino acid position is conserved. In addition, this alteration is predicted to be deleterious by in silico analysis. Based on the available evidence, the clinical significance of this variant remains unclear.

NM_001999.4(FBN2):c.4895T>C (p.Leu1632Pro)

Gene: FBN2 (fibrillin 2; minus strand). Cytogenetic location: 5q23.3.
Variant type: single nucleotide variant.
Coding change: c.4895T>C on transcript NM_001999.4 (MANE Select); coding-DNA position 4895, T replaced by C.
Protein change: p.Leu1632Pro; replaces leucine 1632 with proline.
Molecular consequence: missense variant.
Genome position (GRCh38, 1-based): chr5:128,311,938, A>G on the plus strand (T>C on the coding strand, the complement: FBN2 is on the minus strand). VCF-style: chr5-128311938-A-G. GRCh37 (hg19) VCF-style: chr5-127647630-A-G.
Other names: short protein forms L1632P.
Identifiers: ClinVar variation 4871245 (VCV004871245.1).